The following is an entry in ClinVar:

ClinVar aggregate classification (germline): Likely pathogenic. Review status: criteria provided, multiple submitters, no conflicts (2 of 4 stars). 2 submissions from 2 submitters: Likely pathogenic (2). Last evaluated 2022-06-22.

Conditions:
Marfan syndrome (MFS). Also called: MARFAN SYNDROME, TYPE I; Marfan syndrome type 1; Marfan's syndrome; FBN1-Related Marfan Syndrome; Marfan syndrome, classic. Identifiers: Orphanet 284963, Orphanet 558, MedGen C0024796, MONDO:0007947, OMIM 154700.

Submissions (2):

GeneDx
Classification: Likely pathogenic. Last evaluated: 2022-06-22. Review status: criteria provided, single submitter. Criteria: GeneDx Variant Classification Process June 2021. Collection method: clinical testing. Allele origin: germline. Affected: yes.
Comment: Not observed at significant frequency in large population cohorts (gnomAD); In silico analysis supports a deleterious effect on splicing; This variant is associated with the following publications: (PMID: 19293843)

Clinical Genetics Service, Universitary Hospital 12 de Octubre
Classification: Likely pathogenic for Marfan syndrome. Review status: criteria provided, single submitter. Criteria: ACMG Guidelines, 2015. Collection method: clinical testing. Allele origin: de novo. Affected: yes.

NM_000138.5(FBN1):c.3965-3C>G

Gene: FBN1 (fibrillin 1; minus strand). Cytogenetic location: 15q21.1.
Variant type: single nucleotide variant.
Coding change: c.3965-3C>G on transcript NM_000138.5 (MANE Select); 3 bases into the intron before coding-DNA position 3965, C replaced by G.
Molecular consequence: intron variant.
Genome position (GRCh38, 1-based): chr15:48,474,653, G>C on the plus strand (C>G on the coding strand, the complement: FBN1 is on the minus strand). VCF-style: chr15-48474653-G-C. GRCh37 (hg19) VCF-style: chr15-48766850-G-C.
Other names: c.3965-3C>G (NM_000138.4).
Identifiers: ClinVar variation 1806667 (VCV001806667.2), dbSNP rs2505519057, ClinGen allele CA2580089720.
Genomic context (GRCh38, chr15:48,474,653, plus strand): 5'-TTGGTACATACAGCATGTTTGCCACAGTTGTGTGCTCCAATTTCACATTCATTGATGTCT[G>C]GAAAAATGAGCAGTGATTTAGAAAAAGGCTCAGCACAAATGTCTTTTGGTTTTTAAAATA-3'